The following is an entry in ClinVar:

NM_000465.4(BARD1):c.437G>T (p.Trp146Leu)

Gene: BARD1 (BRCA1 associated RING domain 1; minus strand). Cytogenetic location: 2q35.
Variant type: single nucleotide variant.
Coding change: c.437G>T on transcript NM_000465.4 (MANE Select); coding-DNA position 437, G replaced by T.
Protein change: p.Trp146Leu; replaces tryptophan 146 with leucine.
Molecular consequence: missense variant. On other transcripts: non-coding transcript variant (2), intron variant (3).
Genome position (GRCh38, 1-based): chr2:214,781,437, C>A on the plus strand (G>T on the coding strand, the complement: BARD1 is on the minus strand). VCF-style: chr2-214781437-C-A. GRCh37 (hg19) VCF-style: chr2-215646161-C-A.
Other names: c.380G>T, p.Trp127Leu (NM_001282543.2); c.158+27975G>T (NM_001282548.2); c.215+15624G>T (NM_001282545.2); c.364+10860G>T (NM_001282549.2); short protein forms W146L, W127L.
Identifiers: ClinVar variation 857897 (VCV000857897.10), dbSNP rs1695029110, ClinGen allele CA350457790.

ClinVar aggregate classification (germline): Uncertain significance (1 of 4 stars; one submission).

Conditions:
Familial cancer of breast. Also called: hereditary breast carcinoma; BREAST CANCER, FAMILIAL; Hereditary breast cancer. Identifiers: Orphanet 227535, MedGen C0346153, MONDO:0016419, OMIM 114480. Disease mechanism: loss of function.

Submission:

Labcorp Genetics (formerly Invitae), Labcorp
Classification: Uncertain significance for Familial cancer of breast. Last evaluated: 2024-04-29. Review status: criteria provided, single submitter. Criteria: Invitae Variant Classification Sherloc (09022015). Collection method: clinical testing. Allele origin: germline.
Comment: This sequence change replaces tryptophan, which is neutral and slightly polar, with leucine, which is neutral and non-polar, at codon 146 of the BARD1 protein (p.Trp146Leu). This variant is not present in population databases (gnomAD no frequency). This variant has not been reported in the literature in individuals affected with BARD1-related conditions. ClinVar contains an entry for this variant (Variation ID: 857897). An algorithm developed to predict the effect of missense changes on protein structure and function (PolyPhen-2) suggests that this variant is likely to be disruptive. In summary, the available evidence is currently insufficient to determine the role of this variant in disease. Therefore, it has been classified as a Variant of Uncertain Significance.